The following is an entry in ClinVar:

NM_021072.4(HCN1):c.1400G>A (p.Arg467Gln)

Gene: HCN1 (hyperpolarization activated cyclic nucleotide gated potassium channel 1; minus strand). Cytogenetic location: 5p12.
Variant type: single nucleotide variant.
Coding change: c.1400G>A on transcript NM_021072.4 (MANE Select); coding-DNA position 1400, G replaced by A.
Protein change: p.Arg467Gln; replaces arginine 467 with glutamine.
Molecular consequence: missense variant.
Genome position (GRCh38, 1-based): chr5:45,303,817, C>T on the plus strand (G>A on the coding strand, the complement: HCN1 is on the minus strand). VCF-style: chr5-45303817-C-T. GRCh37 (hg19) VCF-style: chr5-45303919-C-T.
Other names: short protein forms R467Q.
Identifiers: ClinVar variation 1441007 (VCV001441007.7), dbSNP rs773990933, ClinGen allele CA3259285.

ClinVar aggregate classification (germline): Uncertain significance (1 of 4 stars; one submission).

Conditions:
Early-infantile DEE. Also called: Early infantile epileptic encephalopathy; Ohtahara syndrome; Early infantile epileptic encephalopathy with suppression bursts. Identifiers: Orphanet 1934, MedGen C0393706, MONDO:0800491.

Allele frequency attached by ClinVar (database versions not stated): ExAC 0.00002; gnomAD exomes 0.00002.
gnomAD v4.1: 23 of 1,613,018 alleles (0.0014%); highest among the groups gnomAD compares: East Asian, 0.0045%; no homozygotes.

Submission:

Labcorp Genetics (formerly Invitae), Labcorp
Classification: Uncertain significance for Early-infantile DEE. Last evaluated: 2025-01-25. Review status: criteria provided, single submitter. Criteria: Invitae Variant Classification Sherloc (09022015). Collection method: clinical testing. Allele origin: germline.
Comment: This sequence change replaces arginine, which is basic and polar, with glutamine, which is neutral and polar, at codon 467 of the HCN1 protein (p.Arg467Gln). This variant is present in population databases (rs773990933, gnomAD 0.004%). This variant has not been reported in the literature in individuals affected with HCN1-related conditions. ClinVar contains an entry for this variant (Variation ID: 1441007). Invitae Evidence Modeling of protein sequence and biophysical properties (such as structural, functional, and spatial information, amino acid conservation, physicochemical variation, residue mobility, and thermodynamic stability) has been performed for this missense variant. However, the output from this modeling did not meet the statistical confidence thresholds required to predict the impact of this variant on HCN1 protein function. In summary, the available evidence is currently insufficient to determine the role of this variant in disease. Therefore, it has been classified as a Variant of Uncertain Significance.